The following is an entry in ClinVar:

NM_001852.4(COL9A2):c.1652C>T (p.Ala551Val)

Gene: COL9A2 (collagen type IX alpha 2 chain; minus strand). Cytogenetic location: 1p34.2.
Variant type: single nucleotide variant.
Coding change: c.1652C>T on transcript NM_001852.4 (MANE Select); coding-DNA position 1652, C replaced by T.
Protein change: p.Ala551Val; replaces alanine 551 with valine.
Molecular consequence: missense variant.
Genome position (GRCh38, 1-based): chr1:40,302,761, G>A on the plus strand (C>T on the coding strand, the complement: COL9A2 is on the minus strand). VCF-style: chr1-40302761-G-A. GRCh37 (hg19) VCF-style: chr1-40768433-G-A.
Other names: short protein forms A551V.
Identifiers: ClinVar variation 1312903 (VCV001312903.10), dbSNP rs779917331, ClinGen allele CA791357.
Genomic context (GRCh38, chr1:40,302,761, plus strand): 5'-CCCTGCTTGCCTGGGTACCCAGGGGGCCCAGGAGGTCCTGGAGGACCCATCATGCCCACC[G>A]CACCCAGGGCTTCCCGCTTGGCACTCACGGCGACCTCTGCCAGTTGCTCTGGAGGGAGGG-3'
Protein context (NP_001843.1, residues 541-561): AVSAKREALG[Ala551Val]VGMMGPPGPP

ClinVar aggregate classification (germline): Uncertain significance. Review status: criteria provided, multiple submitters, no conflicts (2 of 4 stars). 2 submissions from 2 submitters: Uncertain significance (2). Last evaluated 2025-12-17.

Allele frequency attached by ClinVar (database versions not stated): ExAC 0.00004; gnomAD 0.00004; gnomAD exomes 0.00007.
gnomAD v4.1: 56 of 1,314,774 alleles (0.0043%); highest among the groups gnomAD compares: Admixed American, 0.0088%; no homozygotes.

Submissions (2):

Labcorp Genetics (formerly Invitae), Labcorp
Classification: Uncertain significance. Last evaluated: 2025-12-17. Review status: criteria provided, single submitter. Criteria: Invitae Variant Classification Sherloc (09022015). Collection method: clinical testing. Allele origin: germline.
Comment: This sequence change replaces alanine, which is neutral and non-polar, with valine, which is neutral and non-polar, at codon 551 of the COL9A2 protein (p.Ala551Val). The frequency data for this variant in the population databases is considered unreliable, as metrics indicate poor data quality at this position in the gnomAD database. This variant has not been reported in the literature in individuals affected with COL9A2-related conditions. ClinVar contains an entry for this variant (Variation ID: 1312903). Invitae Evidence Modeling of protein sequence and biophysical properties (such as structural, functional, and spatial information, amino acid conservation, physicochemical variation, residue mobility, and thermodynamic stability) indicates that this missense variant is not expected to disrupt COL9A2 protein function with a negative predictive value of 95%. In summary, the available evidence is currently insufficient to determine the role of this variant in disease. Therefore, it has been classified as a Variant of Uncertain Significance.

GeneDx
Classification: Uncertain significance. Last evaluated: 2023-11-03. Review status: criteria provided, single submitter. Criteria: GeneDx Variant Classification Process June 2021. Collection method: clinical testing. Allele origin: germline. Affected: yes.
Comment: Has been reported in an individual with high myopia (DOI 10.3390/ijms242115676); however this individual also carried several other variants in other genes.; In silico analysis supports that this missense variant does not alter protein structure/function; This variant is associated with the following publications: (PMID: Sanchez-Cazorla2023[article])